The following is an entry in ClinVar:

ClinVar aggregate classification (germline): Pathogenic/Likely pathogenic. Review status: criteria provided, multiple submitters, no conflicts (2 of 4 stars). 5 submissions from 5 submitters: Pathogenic (1); Likely pathogenic (2). 2 of the submissions do not count toward it. Last evaluated 2025-11-03.

Conditions:
Bardet-Biedl syndrome (BBS). Identifiers: Orphanet 110, MedGen C0752166, MONDO:0015229.
McKusick-Kaufman syndrome (MKKS). Also called: HYDROMETROCOLPOS SYNDROME; HYDROMETROCOLPOS, POSTAXIAL POLYDACTYLY, AND CONGENITAL HEART MALFORMATION. Identifiers: Orphanet 2473, MedGen C0948368, MONDO:0009367, OMIM 236700.
Bardet-Biedl syndrome 6 (BBS6). Identifiers: Orphanet 110, MedGen C1858054, MONDO:0011523, OMIM 605231.

Allele frequency attached by ClinVar (database versions not stated): ExAC 0.00001; gnomAD exomes 0.00001.
gnomAD v4.1: 12 of 1,613,828 alleles (0.00074%); highest among the groups gnomAD compares: South Asian, 0.0077%; no homozygotes.

Submissions (5):

Labcorp Genetics (formerly Invitae), Labcorp
Classification: Likely pathogenic for McKusick-Kaufman syndrome; Bardet-Biedl syndrome. Last evaluated: 2025-11-03. Review status: criteria provided, single submitter. Criteria: Invitae Variant Classification Sherloc (09022015). Collection method: clinical testing. Allele origin: germline.
Comment: This sequence change replaces glycine, which is neutral and non-polar, with glutamic acid, which is acidic and polar, at codon 345 of the MKKS protein (p.Gly345Glu). This variant is present in population databases (rs779116830, gnomAD 0.006%). This missense change has been observed in individual(s) with Bardet-Biedl syndrome (PMID: 12107442). It has also been observed to segregate with disease in related individuals. ClinVar contains an entry for this variant (Variation ID: 1066030). Invitae Evidence Modeling of protein sequence and biophysical properties (such as structural, functional, and spatial information, amino acid conservation, physicochemical variation, residue mobility, and thermodynamic stability) indicates that this missense variant is expected to disrupt MKKS protein function with a positive predictive value of 95%. Experimental studies have shown that this missense change affects MKKS function (PMID: 18094050, 20498079, 20502701, 22446187). In summary, the currently available evidence indicates that the variant is pathogenic, but additional data are needed to prove that conclusively. Therefore, this variant has been classified as Likely Pathogenic.

Baylor Genetics
Classification: Likely pathogenic for Bardet-Biedl syndrome 6. Last evaluated: 2023-09-04. Review status: criteria provided, single submitter. Criteria: ACMG Guidelines, 2015. Collection method: clinical testing. Allele origin: unknown.

SN ONGC Dept of Genetics and Molecular biology Vision Research Foundation
Classification: Pathogenic for Bardet-Biedl syndrome. Review status: criteria provided, single submitter. Criteria: ACMG Guidelines, 2015. Collection method: research. Allele origin: unknown. Affected: yes. Observed: 1 heterozygote.
Comment: This variant was observed in digenic inheritance with the variant NC_000001.10:g.5927818G>A.

Genome Diagnostics Laboratory, Amsterdam University Medical Center
Classification: Likely pathogenic. Review status: no assertion criteria provided. Collection method: clinical testing. Allele origin: germline. Affected: yes. Study: VKGL Data-share Consensus. Not counted in ClinVar's aggregate classification.

Joint Genome Diagnostic Labs from Nijmegen and Maastricht, Radboudumc and MUMC+
Classification: Likely pathogenic. Review status: no assertion criteria provided. Collection method: clinical testing. Allele origin: germline. Affected: yes. Study: VKGL Data-share Consensus. Not counted in ClinVar's aggregate classification.

Literature cited by the submitters: PubMed 12107442 (cited by Labcorp Genetics (formerly Invitae), Labcorp); PubMed 18094050 (cited by Labcorp Genetics (formerly Invitae), Labcorp); PubMed 20498079 (cited by Labcorp Genetics (formerly Invitae), Labcorp); PubMed 20502701 (cited by Labcorp Genetics (formerly Invitae), Labcorp); PubMed 22446187 (cited by Labcorp Genetics (formerly Invitae), Labcorp).

NM_170784.3(MKKS):c.1034G>A (p.Gly345Glu)

Gene: MKKS (MKKS centrosomal shuttling protein; minus strand). Cytogenetic location: 20p12.2.
Variant type: single nucleotide variant.
Coding change: c.1034G>A on transcript NM_170784.3 (MANE Select); coding-DNA position 1034, G replaced by A.
Protein change: p.Gly345Glu; replaces glycine 345 with glutamic acid.
Molecular consequence: missense variant. On other transcripts: non-coding transcript variant (1).
Genome position (GRCh38, 1-based): chr20:10,408,755, C>T on the plus strand (G>A on the coding strand, the complement: MKKS is on the minus strand). VCF-style: chr20-10408755-C-T. GRCh37 (hg19) VCF-style: chr20-10389403-C-T.
Other names: c.1034G>A, p.Gly345Glu (NM_018848.3); short protein forms G345E.
Identifiers: ClinVar variation 1066030 (VCV001066030.14), dbSNP rs779116830, ClinGen allele CA9763569.